The following is an entry in ClinVar:

NM_003597.5(KLF11):c.1046C>T (p.Pro349Leu)

Gene: KLF11 (KLF transcription factor 11; plus strand). Cytogenetic location: 2p25.1.
Variant type: single nucleotide variant.
Coding change: c.1046C>T on transcript NM_003597.5 (MANE Select); coding-DNA position 1046, C replaced by T.
Protein change: p.Pro349Leu; replaces proline 349 with leucine.
Molecular consequence: missense variant.
Genome position (GRCh38, 1-based): chr2:10,048,383, C>T. VCF-style: chr2-10048383-C-T. GRCh37 (hg19) VCF-style: chr2-10188510-C-T.
Other names: c.995C>T, p.Pro332Leu (NM_001177716.2, NM_001177718.2); short protein forms P349L, P332L.
Identifiers: ClinVar variation 330634 (VCV000330634.6), dbSNP rs886054723, ClinGen allele CA10611738.

ClinVar aggregate classification (germline): Uncertain significance. Review status: criteria provided, multiple submitters, no conflicts (2 of 4 stars). 2 submissions from 2 submitters: Uncertain significance (2). Last evaluated 2026-03-10.

Conditions:
KLF11-related disorder. Also called: KLF11-related condition.
Maturity-onset diabetes of the young type 7 (MODY7). Identifiers: Orphanet 552, MedGen C1864839, MONDO:0012513, OMIM 610508.

Allele frequency attached by ClinVar (database versions not stated): gnomAD exomes below 0.00001; gnomAD 0.00001; TOPMed 0.00001.
gnomAD v4.1: 4 of 1,612,920 alleles (0.00025%); highest among the groups gnomAD compares: Non-Finnish European, 0.00034%; no homozygotes.

Submissions (2):

PreventionGenetics, part of Exact Sciences
Classification: Uncertain significance for KLF11-related condition. Last evaluated: 2026-03-10. Review status: criteria provided, single submitter. Criteria: ACMG Guidelines, 2015. Collection method: clinical testing. Allele origin: germline.
Comment: The KLF11 c.1046C>T variant is predicted to result in the amino acid substitution p.Pro349Leu. To our knowledge, this variant has not been reported in the literature. This variant is reported in 0.00088% of alleles in individuals of European (Non-Finnish) descent in gnomAD. At this time, the clinical significance of this variant is uncertain due to the absence of conclusive functional and genetic evidence.

Illumina Laboratory Services, Illumina
Classification: Uncertain significance for Maturity-onset diabetes of the young type 7. Last evaluated: 2018-01-13. Review status: criteria provided, single submitter. Criteria: ICSL Variant Classification Criteria 13 December 2019. Collection method: clinical testing. Allele origin: germline.